The following is an entry in ClinVar:

NM_000142.5(FGFR3):c.840C>T (p.Asp280=)

Gene: FGFR3 (fibroblast growth factor receptor 3; plus strand). Cytogenetic location: 4p16.3.
Variant type: single nucleotide variant.
Coding change: c.840C>T on transcript NM_000142.5 (MANE Select); coding-DNA position 840, C replaced by T.
Protein change: p.Asp280=; no amino-acid change (aspartic acid 280 retained).
Molecular consequence: synonymous variant. On other transcripts: non-coding transcript variant (1).
Genome position (GRCh38, 1-based): chr4:1,801,935, C>T. VCF-style: chr4-1801935-C-T. GRCh37 (hg19) VCF-style: chr4-1803662-C-T.
Other names: c.840C>T (NM_000142.4); c.840C>T, p.Asp280= (NM_001163213.2, NM_001354809.2, NM_001354810.2 and 1 more transcripts).
Identifiers: ClinVar variation 1680037 (VCV001680037.9), dbSNP rs776706695, ClinGen allele CA2809991.
Genomic context (GRCh38, chr4:1,801,935, plus strand): 5'-GGCCAACCAGACGGCGGTGCTGGGCAGCGACGTGGAGTTCCACTGCAAGGTGTACAGTGA[C>T]GCACAGCCCCACATCCAGTGGCTCAAGCACGTGGAGGTGAATGGCAGCAAGGTGGGCCCG-3'
Protein context (NP_000133.1, residues 270-290): DVEFHCKVYS[Asp280=]AQPHIQWLKH

ClinVar aggregate classification (germline): Likely benign. Review status: criteria provided, multiple submitters, no conflicts (2 of 4 stars). 2 submissions from 2 submitters: Likely benign (2). Last evaluated 2026-09-09.

Conditions:
FGFR3-related disorder. Also called: FGFR3-related disorders.

Allele frequency attached by ClinVar (database versions not stated): gnomAD exomes below 0.00001 and 0.00001; ExAC 0.00002; gnomAD 0.00002 and 0.00003; TOPMed 0.00003.
gnomAD v4.1: 17 of 1,612,652 alleles (0.0011%); highest among the groups gnomAD compares: East Asian, 0.0067%; no homozygotes.

Submissions (2):

PreventionGenetics, part of Exact Sciences
Classification: Likely benign for FGFR3-related condition. Last evaluated: 2026-09-09. Review status: criteria provided, single submitter. Criteria: ACMG Guidelines, 2015. Collection method: clinical testing. Allele origin: germline.
Comment: This variant is classified as likely benign based on ACMG/AMP sequence variant interpretation guidelines (Richards et al. 2015 PMID: 25741868, with internal and published modifications).

Labcorp Genetics (formerly Invitae), Labcorp
Classification: Likely benign. Last evaluated: 2025-04-02. Review status: criteria provided, single submitter. Criteria: Invitae Variant Classification Sherloc (09022015). Collection method: clinical testing. Allele origin: germline.